The following is an entry in ClinVar:

ClinVar aggregate classification (germline): Uncertain significance (1 of 4 stars; one submission).

Submission:

GeneDx
Classification: Uncertain significance. Last evaluated: 2023-07-11. Review status: criteria provided, single submitter. Criteria: GeneDx Variant Classification Process June 2021. Collection method: clinical testing. Allele origin: germline. Affected: yes.
Comment: Reported using an alternate transcript of the gene; Frameshift variant predicted to result in protein truncation or nonsense mediated decay in a gene or region of a gene for which loss of function is not a well-established mechanism of disease; Has not been previously published as pathogenic or benign to our knowledge

NM_080425.4(GNAS):c.945del (p.Ala316fs)

Gene: GNAS (GNAS complex locus; plus strand). Cytogenetic location: 20q13.32.
Variant type: Deletion.
Coding change: c.945del on transcript NM_080425.4 (MANE Plus Clinical); coding-DNA position 945, one base deleted (C; older notation c.945delC).
Protein change: p.Ala316fs; shifts the reading frame from alanine 316.
Molecular consequence: frameshift variant. On other transcripts: intron variant (3).
Genome position (GRCh38, 1-based): chr20:58,854,210, C deleted; the last of 5 consecutive C bases (chr20:58,854,206-58,854,210); deleting any one gives the same sequence. VCF-style (leftmost placement, unchanged base first): chr20-58854205-GC-G. GRCh37 (hg19) VCF-style: chr20-57429260-GC-G.
Other names: c.758del, p.Pro253fs (NM_001077490.3, NM_001309883.1); c.945del, p.Ala316fs (NM_001410913.1); c.*42+13324del (NM_016592.5); c.43+13324del (NM_001410912.1); c.-39+12335del (NM_001309861.2); short protein forms A316fs, P253fs.
Identifiers: ClinVar variation 3360678 (VCV003360678.1).